The following is an entry in ClinVar:

ClinVar aggregate classification (germline): Uncertain significance (1 of 4 stars; one submission).

Conditions:
Inborn genetic diseases. Identifiers: MedGen C0950123, MeSH D030342.

Submission:

Ambry Genetics
Classification: Uncertain significance for Inborn genetic diseases. Last evaluated: 2025-10-05. Review status: criteria provided, single submitter. Criteria: Ambry Variant Classification Scheme 2023. Collection method: clinical testing. Allele origin: germline.
Comment: The p.D134E variant (also known as c.402T>A), located in coding exon 3 of the HAX1 gene, results from a T to A substitution at nucleotide position 402. The aspartic acid at codon 134 is replaced by glutamic acid, an amino acid with highly similar properties. This amino acid position is conserved. In addition, this alteration is predicted to be tolerated by in silico analysis. Based on the available evidence, the clinical significance of this variant remains unclear.

NM_006118.4(HAX1):c.402T>A (p.Asp134Glu)

Gene: HAX1 (HCLS1 associated protein X-1; plus strand). Cytogenetic location: 1q21.3.
Variant type: single nucleotide variant.
Coding change: c.402T>A on transcript NM_006118.4 (MANE Select); coding-DNA position 402, T replaced by A.
Protein change: p.Asp134Glu; replaces aspartic acid 134 with glutamic acid.
Molecular consequence: missense variant.
Genome position (GRCh38, 1-based): chr1:154,273,859, T>A. VCF-style: chr1-154273859-T-A. GRCh37 (hg19) VCF-style: chr1-154246335-T-A.
Other names: c.258T>A, p.Asp86Glu (NM_001018837.2); short protein forms D86E, D134E.
Identifiers: ClinVar variation 4621330 (VCV004621330.1).